The following is an entry in ClinVar:

ClinVar aggregate classification (germline): Uncertain significance (1 of 4 stars; one submission).

Allele frequency attached by ClinVar (database versions not stated): gnomAD exomes below 0.00001; ExAC 0.00001; TOPMed 0.00001.
gnomAD v4.1: 1 of 1,577,944 alleles (0.000063%); highest among the groups gnomAD compares: Admixed American, 0.0019%; no homozygotes.

Submission:

Labcorp Genetics (formerly Invitae), Labcorp
Classification: Uncertain significance. Last evaluated: 2022-10-24. Review status: criteria provided, single submitter. Criteria: Invitae Variant Classification Sherloc (09022015). Collection method: clinical testing. Allele origin: germline.
Comment: This sequence change replaces histidine, which is basic and polar, with arginine, which is basic and polar, at codon 1499 of the CPLANE1 protein (p.His1499Arg). This variant is present in population databases (rs763128117, gnomAD 0.004%). This variant has not been reported in the literature in individuals affected with CPLANE1-related conditions. Advanced modeling of protein sequence and biophysical properties (such as structural, functional, and spatial information, amino acid conservation, physicochemical variation, residue mobility, and thermodynamic stability) performed at Invitae indicates that this missense variant is not expected to disrupt CPLANE1 protein function. In summary, the available evidence is currently insufficient to determine the role of this variant in disease. Therefore, it has been classified as a Variant of Uncertain Significance.

NM_001384732.1(CPLANE1):c.4496A>G (p.His1499Arg)

Gene: CPLANE1 (ciliogenesis and planar polarity effector complex subunit 1; minus strand). Cytogenetic location: 5p13.2.
Variant type: single nucleotide variant.
Coding change: c.4496A>G on transcript NM_001384732.1 (MANE Select); coding-DNA position 4496, A replaced by G.
Protein change: p.His1499Arg; replaces histidine 1499 with arginine.
Molecular consequence: missense variant.
Genome position (GRCh38, 1-based): chr5:37,183,685, T>C on the plus strand (A>G on the coding strand, the complement: CPLANE1 is on the minus strand). VCF-style: chr5-37183685-T-C. GRCh37 (hg19) VCF-style: chr5-37183787-T-C.
Other names: c.4496A>G, p.His1499Arg (NM_023073.4); short protein forms H1499R.
Identifiers: ClinVar variation 2053173 (VCV002053173.3), dbSNP rs763128117, ClinGen allele CA3238682.